The following is an entry in ClinVar:

NM_004990.4(MARS1):c.295G>T (p.Ala99Ser)

Gene: MARS1 (methionyl-tRNA synthetase 1; plus strand). Cytogenetic location: 12q13.3.
Variant type: single nucleotide variant.
Coding change: c.295G>T on transcript NM_004990.4 (MANE Select); coding-DNA position 295, G replaced by T.
Protein change: p.Ala99Ser; replaces alanine 99 with serine.
Molecular consequence: missense variant.
Genome position (GRCh38, 1-based): chr12:57,489,439, G>T. VCF-style: chr12-57489439-G-T. GRCh37 (hg19) VCF-style: chr12-57883222-G-T.
Other names: short protein forms A99S.
Identifiers: ClinVar variation 2142745 (VCV002142745.4), dbSNP rs916042745, ClinGen allele CA385491045.

ClinVar aggregate classification (germline): Uncertain significance (1 of 4 stars; one submission).

Conditions:
Severe early-onset pulmonary alveolar proteinosis due to MARS deficiency. Also called: PULMONARY ALVEOLAR PROTEINOSIS, REUNION ISLAND; Interstitial lung and liver disease. Identifiers: Orphanet 440427, MedGen C4225400, MONDO:0014206, OMIM 615486.
Charcot-Marie-Tooth disease axonal type 2U. Also called: CHARCOT-MARIE-TOOTH NEUROPATHY, TYPE 2U; CHARCOT-MARIE-TOOTH DISEASE, AXONAL, AUTOSOMAL DOMINANT, TYPE 2U. Identifiers: Orphanet 397735, MedGen C4084821, MONDO:0014566, OMIM 616280.

Allele frequency attached by ClinVar (database versions not stated): gnomAD exomes 0.00001.
gnomAD v4.1: 15 of 1,614,178 alleles (0.00093%); highest among the groups gnomAD compares: Non-Finnish European, 0.0013%; no homozygotes.

Submission:

Labcorp Genetics (formerly Invitae), Labcorp
Classification: Uncertain significance for Charcot-Marie-Tooth disease axonal type 2U; Severe early-onset pulmonary alveolar proteinosis due to MARS deficiency. Last evaluated: 2022-09-19. Review status: criteria provided, single submitter. Criteria: Invitae Variant Classification Sherloc (09022015). Collection method: clinical testing. Allele origin: germline.
Comment: This sequence change replaces alanine, which is neutral and non-polar, with serine, which is neutral and polar, at codon 99 of the MARS protein (p.Ala99Ser). This variant is not present in population databases (gnomAD no frequency). This variant has not been reported in the literature in individuals affected with MARS-related conditions. Algorithms developed to predict the effect of missense changes on protein structure and function (SIFT, PolyPhen-2, Align-GVGD) all suggest that this variant is likely to be tolerated. Algorithms developed to predict the effect of sequence changes on RNA splicing suggest that this variant may create or strengthen a splice site. In summary, the available evidence is currently insufficient to determine the role of this variant in disease. Therefore, it has been classified as a Variant of Uncertain Significance.